The following is an entry in ClinVar:

NM_015559.3(SETBP1):c.1776G>T (p.Lys592Asn)

Gene: SETBP1 (SET binding protein 1; plus strand). Cytogenetic location: 18q12.3.
Variant type: single nucleotide variant.
Coding change: c.1776G>T on transcript NM_015559.3 (MANE Select); coding-DNA position 1776, G replaced by T.
Protein change: p.Lys592Asn; replaces lysine 592 with asparagine.
Molecular consequence: missense variant.
Genome position (GRCh38, 1-based): chr18:44,951,116, G>T. VCF-style: chr18-44951116-G-T. GRCh37 (hg19) VCF-style: chr18-42531081-G-T.
Other names: c.1776G>T, p.Lys592Asn (NM_001379141.1, NM_001379142.1, NM_001410862.1); short protein forms K592N.
Identifiers: ClinVar variation 3364462 (VCV003364462.1).

ClinVar aggregate classification (germline): Uncertain significance (1 of 4 stars; one submission).

Submission:

GeneDx
Classification: Uncertain significance. Last evaluated: 2023-11-18. Review status: criteria provided, single submitter. Criteria: GeneDx Variant Classification Process June 2021. Collection method: clinical testing. Allele origin: germline. Affected: yes.
Comment: Not observed at significant frequency in large population cohorts (gnomAD); In silico analysis supports that this missense variant has a deleterious effect on protein structure/function; Has not been previously published as pathogenic or benign to our knowledge